The following is an entry in ClinVar:

ClinVar aggregate classification (germline): Uncertain significance (1 of 4 stars; one submission).

Conditions:
EP300-related disorder. Also called: EP300-related condition; EP300-related disorders.

gnomAD v4.1: 1 of 1,612,592 alleles (0.000062%); highest among the groups gnomAD compares: African/African-American, 0.0013%; no homozygotes.

Submission:

PreventionGenetics, part of Exact Sciences
Classification: Uncertain significance for EP300-related condition. Last evaluated: 2025-12-16. Review status: criteria provided, single submitter. Criteria: ACMG Guidelines, 2015. Collection method: clinical testing. Allele origin: germline.
Comment: The EP300 c.1538C>G variant is predicted to result in the amino acid substitution p.Pro513Arg. To our knowledge, this variant has not been reported in the literature. This variant is reported in 0.011% of alleles in individuals of African descent in gnomAD. At this time, the clinical significance of this variant is uncertain due to the absence of conclusive functional and genetic evidence.

NM_001429.4(EP300):c.1538C>G (p.Pro513Arg)

Gene: EP300 (EP300 lysine acetyltransferase; plus strand). Cytogenetic location: 22q13.2.
Variant type: single nucleotide variant.
Coding change: c.1538C>G on transcript NM_001429.4 (MANE Select); coding-DNA position 1538, C replaced by G.
Protein change: p.Pro513Arg; replaces proline 513 with arginine.
Molecular consequence: missense variant.
Genome position (GRCh38, 1-based): chr22:41,135,822, C>G. VCF-style: chr22-41135822-C-G. GRCh37 (hg19) VCF-style: chr22-41531826-C-G.
Other names: c.1538C>G, p.Pro513Arg (NM_001362843.2); short protein forms P513R.
Identifiers: ClinVar variation 4994513 (VCV004994513.1).